The following is an entry in ClinVar:

NM_007126.5(VCP):c.1310T>C (p.Ile437Thr)

Gene: VCP (valosin containing protein; minus strand). Cytogenetic location: 9p13.3.
Variant type: single nucleotide variant.
Coding change: c.1310T>C on transcript NM_007126.5 (MANE Select); coding-DNA position 1310, T replaced by C.
Protein change: p.Ile437Thr; replaces isoleucine 437 with threonine.
Molecular consequence: missense variant.
Genome position (GRCh38, 1-based): chr9:35,061,064, A>G on the plus strand (T>C on the coding strand, the complement: VCP is on the minus strand). VCF-style: chr9-35061064-A-G. GRCh37 (hg19) VCF-style: chr9-35061061-A-G.
Other names: c.1175T>C, p.Ile392Thr (NM_001354927.2, NM_001354928.2); short protein forms I392T, I437T.
Identifiers: ClinVar variation 2132945 (VCV002132945.4), dbSNP rs2490353928, ClinGen allele CA373282094.

ClinVar aggregate classification (germline): Uncertain significance (1 of 4 stars; one submission).

Conditions:
Frontotemporal dementia and/or amyotrophic lateral sclerosis 6 (FTDALS6). Also called: VCP-Related Amyotrophic Lateral Sclerosis; VCP-Related Amyotrophic Lateral Sclerosis/Frontotemporal Dementia. Identifiers: Orphanet 275872, Orphanet 803, MedGen C5436279, MONDO:0013501, OMIM 613954.
Inclusion body myopathy with Paget disease of bone and frontotemporal dementia. Also called: Inclusion body myopathy with early-onset Paget disease and frontotemporal dementia. Identifiers: Orphanet 52430, MedGen C1833662, MONDO:0000507.

Allele frequency attached by ClinVar (database versions not stated): gnomAD exomes below 0.00001.
gnomAD v4.1: 1 of 1,614,144 alleles (0.000062%); highest among the groups gnomAD compares: Non-Finnish European, 0.000085%; no homozygotes.

Submission:

Labcorp Genetics (formerly Invitae), Labcorp
Classification: Uncertain significance for Inclusion body myopathy with Paget disease of bone and frontotemporal dementia; Frontotemporal dementia and/or amyotrophic lateral sclerosis 6. Last evaluated: 2022-05-03. Review status: criteria provided, single submitter. Criteria: Invitae Variant Classification Sherloc (09022015). Collection method: clinical testing. Allele origin: germline.
Comment: In summary, the available evidence is currently insufficient to determine the role of this variant in disease. Therefore, it has been classified as a Variant of Uncertain Significance. Algorithms developed to predict the effect of missense changes on protein structure and function are either unavailable or do not agree on the potential impact of this missense change (SIFT: "Not Available"; PolyPhen-2: "Possibly Damaging"; Align-GVGD: "Not Available"). This variant has not been reported in the literature in individuals affected with VCP-related conditions. This variant is not present in population databases (gnomAD no frequency). This sequence change replaces isoleucine, which is neutral and non-polar, with threonine, which is neutral and polar, at codon 437 of the VCP protein (p.Ile437Thr).